The following is an entry in ClinVar:

ClinVar aggregate classification (germline): Benign/Likely benign. Review status: criteria provided, multiple submitters, no conflicts (2 of 4 stars). 18 submissions from 15 submitters: Benign (12); Likely benign (3). 3 of the submissions do not count toward it. Last evaluated 2026-02-03.

Conditions:
Cardiovascular phenotype. Identifiers: MedGen CN230736.
Autosomal recessive limb-girdle muscular dystrophy type 2J (LGMDR10). Also called: Limb-girdle muscular dystrophy, type 2J; MUSCULAR DYSTROPHY, LIMB-GIRDLE, AUTOSOMAL RECESSIVE 10. Identifiers: Orphanet 140922, MedGen C1837342, MONDO:0012127, OMIM 608807.
Dilated cardiomyopathy 1G (CMD1G). Identifiers: Orphanet 154, MedGen C1858763, MONDO:0011400, OMIM 604145.
Myopathy, myofibrillar, 9, with early respiratory failure (MFM9). Also called: EDSTROM MYOPATHY; MYOPATHY, PROXIMAL, WITH EARLY RESPIRATORY MUSCLE INVOLVEMENT; Hereditary myopathy with early respiratory failure; Myopathy, distal, with early respiratory failure, autosomal dominant. Identifiers: Orphanet 178464, Orphanet 34521, MedGen C1863599, MONDO:0011362, OMIM 603689.
Early-onset myopathy with fatal cardiomyopathy (CMYO5). Also called: Salih Myopathy; CONGENITAL MYOPATHY 5 WITH CARDIOMYOPATHY. Identifiers: Orphanet 289377, MedGen C2673677, MONDO:0012714, OMIM 611705. Disease mechanism: loss of function.
Tibial muscular dystrophy (TMD). Also called: Udd Distal Myopathy – Tibial Muscular Dystrophy; UDD MYOPATHY; Tibial muscular dystrophy, tardive. Identifiers: Orphanet 609, MedGen C1838244, MONDO:0010870, OMIM 600334.

Allele frequency attached by ClinVar (database versions not stated): gnomAD exomes 0.00062 and 0.00149; ExAC 0.00184; 1000 Genomes Project 0.00539; 1000 Genomes Project 30x 0.00562; gnomAD 0.00646 and 0.00703; ESP Exome Variant Server 0.00679; TOPMed 0.00765.
gnomAD v4.1: 1,910 of 1,613,196 alleles (0.12%); highest among the groups gnomAD compares: African/African-American, 2.3%; 27 homozygotes.

Submissions (18):

Labcorp Genetics (formerly Invitae), Labcorp
Classification: Benign for Dilated cardiomyopathy 1G; Autosomal recessive limb-girdle muscular dystrophy type 2J. Last evaluated: 2026-02-03. Review status: criteria provided, single submitter. Criteria: Invitae Variant Classification Sherloc (09022015). Collection method: clinical testing. Allele origin: germline.

ARUP Laboratories, Molecular Genetics and Genomics, ARUP Laboratories
Classification: Benign. Last evaluated: 2025-05-14. Review status: criteria provided, single submitter. Criteria: ARUP Molecular Germline Variant Investigation Process 2024. Collection method: clinical testing. Allele origin: germline.

Molecular Diagnostic Laboratory for Inherited Cardiovascular Disease, Montreal Heart Institute
Classification: Benign. Last evaluated: 2025-04-09. Review status: criteria provided, single submitter. Criteria: ACMG Guidelines, 2015. Collection method: clinical testing. Allele origin: germline. Affected: no.

Blueprint Genetics
Classification: Likely benign. Last evaluated: 2024-11-13. Review status: criteria provided, single submitter. Criteria: ACMG Guidelines, 2015. Collection method: clinical testing. Allele origin: germline.

Mayo Clinic Laboratories, Mayo Clinic
Classification: Benign. Last evaluated: 2024-08-12. Review status: criteria provided, single submitter. Criteria: ACMG Guidelines, 2015. Collection method: clinical testing. Allele origin: germline. Observed: 10 variant alleles.
Comment: BA1, BS2, BP4, BP7

Genome-Nilou Lab
Classification: Benign for Autosomal recessive limb-girdle muscular dystrophy type 2J. Last evaluated: 2021-09-10. Review status: criteria provided, single submitter. Criteria: ACMG Guidelines, 2015. Collection method: clinical testing. Allele origin: germline. Affected: no.

Genome-Nilou Lab
Classification: Benign for Myopathy, myofibrillar, 9, with early respiratory failure. Last evaluated: 2021-09-10. Review status: criteria provided, single submitter. Criteria: ACMG Guidelines, 2015. Collection method: clinical testing. Allele origin: germline. Affected: no.

Genome-Nilou Lab
Classification: Benign for Early-onset myopathy with fatal cardiomyopathy. Last evaluated: 2021-09-10. Review status: criteria provided, single submitter. Criteria: ACMG Guidelines, 2015. Collection method: clinical testing. Allele origin: germline. Affected: no.

Genome-Nilou Lab
Classification: Benign for Tibial muscular dystrophy. Last evaluated: 2021-09-10. Review status: criteria provided, single submitter. Criteria: ACMG Guidelines, 2015. Collection method: clinical testing. Allele origin: germline. Affected: no.

Women's Health and Genetics/Laboratory Corporation of America, LabCorp
Classification: Benign. Last evaluated: 2021-01-28. Review status: criteria provided, single submitter. Criteria: LabCorp Variant Classification Summary - May 2015. Collection method: clinical testing. Allele origin: germline.

Athena Diagnostics
Classification: Benign. Last evaluated: 2021-01-05. Review status: criteria provided, single submitter. Criteria: Athena Diagnostics criteria. Collection method: clinical testing. Allele origin: unknown.

GeneDx
Classification: Benign. Last evaluated: 2014-03-27. Review status: criteria provided, single submitter. Criteria: GeneDx Variant Classification (06012015). Collection method: clinical testing. Allele origin: germline. Affected: yes.
Comment: This variant is considered likely benign or benign based on one or more of the following criteria: it is a conservative change, it occurs at a poorly conserved position in the protein, it is predicted to be benign by multiple in silico algorithms, and/or has population frequency not consistent with disease.

Ambry Genetics
Classification: Likely benign for Cardiovascular phenotype. Last evaluated: 2012-12-12. Review status: criteria provided, single submitter. Criteria: Ambry Autosomal Dominant and X-Linked criteria (10/2015). Collection method: clinical testing. Allele origin: germline. Observed: 1 variant allele.

Laboratory for Molecular Medicine, Mass General Brigham Personalized Medicine
Classification: Benign. Last evaluated: 2012-04-10. Review status: criteria provided, single submitter. Criteria: LMM Criteria. Collection method: clinical testing. Allele origin: germline. Observed: 15 variant alleles.
Comment: Gln16586Gln in Exon 243 of TTN: This variant is not expected to have clinical si gnificance because it does not alter an amino acid residue, is not located withi n the splice consensus sequence and has been identified in 2.1% (66/3134) of Afr ican American chromosomes from a broad population by the NHLBI Exome Sequencing Project (dbSNP rs72646832).

Breakthrough Genomics
Classification: Likely benign. Review status: criteria provided, single submitter. Criteria: ACMG Guidelines, 2015. Collection method: not provided. Allele origin: germline. Inheritance: Autosomal recessive inheritance. Affected: yes.

Clinical Genetics, Academic Medical Center
Classification: Benign. Review status: no assertion criteria provided. Collection method: clinical testing. Allele origin: germline. Affected: yes. Study: VKGL Data-share Consensus. Not counted in ClinVar's aggregate classification.

Diagnostic Laboratory, Department of Genetics, University Medical Center Groningen
Classification: Likely benign. Review status: no assertion criteria provided. Collection method: clinical testing. Allele origin: germline. Affected: yes. Study: VKGL Data-share Consensus. Not counted in ClinVar's aggregate classification.

Joint Genome Diagnostic Labs from Nijmegen and Maastricht, Radboudumc and MUMC+
Classification: Benign. Review status: no assertion criteria provided. Collection method: clinical testing. Allele origin: germline. Affected: yes. Study: VKGL Data-share Consensus. Not counted in ClinVar's aggregate classification.

NM_001267550.2(TTN):c.57462G>A (p.Gln19154=)

Genes: TTN (titin; minus strand), TTN-AS1 (TTN antisense RNA 1; plus strand). Cytogenetic location: 2q31.2.
Variant type: single nucleotide variant.
Coding change: c.57462G>A on transcript NM_001267550.2 (MANE Select); coding-DNA position 57462, G replaced by A.
Protein change: p.Gln19154=; no amino-acid change (glutamine 19154 retained).
Molecular consequence: synonymous variant. On other transcripts: non-coding transcript variant (2).
Genome position (GRCh38, 1-based): chr2:178,597,620, C>T on the plus strand (G>A on the coding strand, the complement: TTN is on the minus strand). VCF-style: chr2-178597620-C-T. GRCh37 (hg19) VCF-style: chr2-179462347-C-T.
Other names: p.Q17513Q:CAG>CAA; p.Gln16586=; c.52539G>A, p.Gln17513= (NM_001256850.1); c.49758G>A, p.Gln16586= (NM_133378.4); c.30267G>A, p.Gln10089= (NM_003319.4); c.30642G>A, p.Gln10214= (NM_133432.3); c.30843G>A, p.Gln10281= (NM_133437.4); c.57462G>A (NM_001267550.1).
Identifiers: ClinVar variation 47123 (VCV000047123.43), dbSNP rs72646832, ClinGen allele CA283480.